The following is an entry in ClinVar:

ClinVar aggregate classification (germline): Pathogenic. Review status: criteria provided, single submitter (1 of 4 stars). 2 submissions from 2 submitters: Pathogenic (1). 1 of the submissions does not count toward it. Last evaluated 2025-08-06.

Conditions:
Nonsyndromic Oculocutaneous Albinism.

Allele frequency attached by ClinVar (database versions not stated): ExAC 0.00001; ESP Exome Variant Server 0.00008.

Submissions (2):

Labcorp Genetics (formerly Invitae), Labcorp
Classification: Pathogenic. Last evaluated: 2025-08-06. Review status: criteria provided, single submitter. Criteria: Invitae Variant Classification Sherloc (09022015). Collection method: clinical testing. Allele origin: germline.
Comment: This sequence change creates a premature translational stop signal (p.Trp195*) in the TYR gene. It is expected to result in an absent or disrupted protein product. Loss-of-function variants in TYR are known to be pathogenic (PMID: 23504663). This variant is not present in population databases (gnomAD no frequency). This premature translational stop signal has been observed in individual(s) with ocular albinism (PMID: 28266639). ClinVar contains an entry for this variant (Variation ID: 617796). For these reasons, this variant has been classified as Pathogenic.

University of Washington Center for Mendelian Genomics, University of Washington
Classification: Likely pathogenic for Nonsyndromic Oculocutaneous Albinism. Last evaluated: 2017-03-07. Review status: no assertion criteria provided. Collection method: research. Allele origin: unknown. Affected: yes. Observed: 1 homozygote. Not counted in ClinVar's aggregate classification.

Literature cited by the submitters: PubMed 23504663 (cited by Labcorp Genetics (formerly Invitae), Labcorp); PubMed 28266639 (cited by Labcorp Genetics (formerly Invitae), Labcorp and University of Washington Center for Mendelian Genomics, University of Washington).

NM_000372.5(TYR):c.585G>A (p.Trp195Ter)

Gene: TYR (tyrosinase; plus strand). Cytogenetic location: 11q14.3.
Variant type: single nucleotide variant.
Coding change: c.585G>A on transcript NM_000372.5 (MANE Select); coding-DNA position 585, G replaced by A.
Protein change: p.Trp195Ter; replaces tryptophan 195 with a stop codon.
Molecular consequence: nonsense.
Genome position (GRCh38, 1-based): chr11:89,178,538, G>A. VCF-style: chr11-89178538-G-A. GRCh37 (hg19) VCF-style: chr11-88911706-G-A.
Other names: short protein forms W195*.
Identifiers: ClinVar variation 617796 (VCV000617796.2), dbSNP rs147574809, ClinGen allele CA6221146.
Genomic context (GRCh38, chr11:89,178,538, plus strand): 5'-CTTTGTCTGGATGCATTATTATGTGTCAATGGATGCACTGCTTGGGGGATCTGAAATCTG[G>A]AGAGACATTGATTTTGCCCATGAAGCACCAGCTTTTCTGCCTTGGCATAGACTCTTCTTG-3'